The following is an entry in ClinVar:

NM_000548.5(TSC2):c.4276dup (p.Glu1426fs)

Gene: TSC2 (TSC complex subunit 2; plus strand). Cytogenetic location: 16p13.3.
Variant type: Duplication.
Coding change: c.4276dup on transcript NM_000548.5 (MANE Select); coding-DNA position 4276, one base duplicated (G; older notation c.4276dupG).
Protein change: p.Glu1426fs; shifts the reading frame from glutamic acid 1426.
Molecular consequence: frameshift variant.
Genome position (GRCh38, 1-based): chr16:2,084,498, G duplicated; the last of 4 consecutive G bases (chr16:2,084,495-2,084,498); duplicating any one gives the same sequence. VCF-style (leftmost placement, unchanged base first): chr16-2084494-C-CG. GRCh37 (hg19) VCF-style: chr16-2134495-C-CG.
Other names: c.4075dup, p.Glu1359fs (NM_001077183.3); c.4207dup, p.Glu1403fs (NM_001114382.3); c.3967dup, p.Glu1323fs (NM_001318827.2); c.3931dup, p.Glu1311fs (NM_001318829.2); c.3544dup, p.Glu1182fs (NM_001318831.2); c.4108dup, p.Glu1370fs (NM_001318832.2); c.4078dup, p.Glu1360fs (NM_001363528.2); c.4144dup, p.Glu1382fs (NM_001370404.1); and 1 more; short protein forms E1182fs, E1426fs, E1311fs, E1323fs, E1359fs, E1360fs, E1370fs, E1382fs.
Identifiers: ClinVar variation 280352 (VCV000280352.2), dbSNP rs886041573, ClinGen allele CA10603519.

ClinVar aggregate classification (germline): Pathogenic (1 of 4 stars; one submission).

Submission:

GeneDx
Classification: Pathogenic. Last evaluated: 2016-03-03. Review status: criteria provided, single submitter. Criteria: GeneDx Variant Classification (06012015). Collection method: clinical testing. Allele origin: germline. Affected: yes.
Comment: The c.4276dupG pathogenic variant in the TSC2 gene causes a frameshift starting with codon Glutamic acid 1426, changes this amino acid to a Glycine residue and creates a premature Stop codon at position 98 of the new reading frame, denoted p.Glu1426GlyfsX98. This pathogenic variant is predicted to cause loss of normal protein function either through protein truncation or nonsense-mediated mRNA decay. Although this variant has not been previously reported to our knowledge, we consider it to be pathogenic.